The following is an entry in ClinVar:

NM_006015.6(ARID1A):c.6173A>C (p.Glu2058Ala)

Gene: ARID1A (AT-rich interaction domain 1A; plus strand). Cytogenetic location: 1p36.11.
Variant type: single nucleotide variant.
Coding change: c.6173A>C on transcript NM_006015.6 (MANE Select); coding-DNA position 6173, A replaced by C.
Protein change: p.Glu2058Ala; replaces glutamic acid 2058 with alanine.
Molecular consequence: missense variant.
Genome position (GRCh38, 1-based): chr1:26,780,071, A>C. VCF-style: chr1-26780071-A-C. GRCh37 (hg19) VCF-style: chr1-27106562-A-C.
Other names: c.5522A>C, p.Glu1841Ala (NM_139135.4); short protein forms E1841A, E2058A.
Identifiers: ClinVar variation 3366052 (VCV003366052.1).

ClinVar aggregate classification (germline): Uncertain significance (1 of 4 stars; one submission).

Submission:

GeneDx
Classification: Uncertain significance. Last evaluated: 2023-10-22. Review status: criteria provided, single submitter. Criteria: GeneDx Variant Classification Process June 2021. Collection method: clinical testing. Allele origin: germline. Affected: yes.
Comment: Not observed at significant frequency in large population cohorts (gnomAD); In silico analysis supports that this missense variant has a deleterious effect on protein structure/function; Has not been previously published as pathogenic or benign to our knowledge